The following is an entry in ClinVar:

NM_001170700.3(DTHD1):c.955G>C (p.Val319Leu)

Gene: DTHD1 (death domain containing 1; plus strand). Cytogenetic location: 4p14.
Variant type: single nucleotide variant.
Coding change: c.955G>C on transcript NM_001170700.3 (MANE Select); coding-DNA position 955, G replaced by C.
Protein change: p.Val319Leu; replaces valine 319 with leucine.
Molecular consequence: missense variant. On other transcripts: non-coding transcript variant (2).
Genome position (GRCh38, 1-based): chr4:36,290,440, G>C. VCF-style: chr4-36290440-G-C. GRCh37 (hg19) VCF-style: chr4-36292062-G-C.
Other names: c.85G>C, p.Val29Leu (NM_001136536.5, NM_001378435.1); c.580G>C (NM_001170700.1); short protein forms V319L, V29L.
Identifiers: ClinVar variation 1509303 (VCV001509303.7), dbSNP rs775590360, ClinGen allele CA2885598.

ClinVar aggregate classification (germline): Uncertain significance. Review status: criteria provided, multiple submitters, no conflicts (2 of 4 stars). 2 submissions from 2 submitters: Uncertain significance (2). Last evaluated 2025-09-01.

Allele frequency attached by ClinVar (database versions not stated): gnomAD 0.00001; gnomAD exomes 0.00002 and 0.00006; TOPMed 0.00002; ExAC 0.00004.
gnomAD v4.1: 78 of 1,551,836 alleles (0.005%); highest among the groups gnomAD compares: Non-Finnish European, 0.0066%; no homozygotes.

Submissions (2):

Ambry Genetics
Classification: Uncertain significance. Last evaluated: 2025-09-01. Review status: criteria provided, single submitter. Criteria: Ambry Variant Classification Scheme 2023. Collection method: clinical testing. Allele origin: germline.

Labcorp Genetics (formerly Invitae), Labcorp
Classification: Uncertain significance. Last evaluated: 2024-03-03. Review status: criteria provided, single submitter. Criteria: Invitae Variant Classification Sherloc (09022015). Collection method: clinical testing. Allele origin: germline.
Comment: This sequence change replaces valine, which is neutral and non-polar, with leucine, which is neutral and non-polar, at codon 29 of the DTHD1 protein (p.Val29Leu). This variant is present in population databases (rs775590360, gnomAD 0.005%). This variant has not been reported in the literature in individuals affected with DTHD1-related conditions. ClinVar contains an entry for this variant (Variation ID: 1509303). Algorithms developed to predict the effect of missense changes on protein structure and function output the following: SIFT: "Not Available"; PolyPhen-2: "Benign"; Align-GVGD: "Not Available". The leucine amino acid residue is found in multiple mammalian species, which suggests that this missense change does not adversely affect protein function. In summary, the available evidence is currently insufficient to determine the role of this variant in disease. Therefore, it has been classified as a Variant of Uncertain Significance.